The following is an entry in ClinVar:

ClinVar aggregate classification (germline): Uncertain significance (1 of 4 stars; one submission).

Conditions:
Hereditary cancer-predisposing syndrome. Also called: Neoplastic Syndromes, Hereditary; Tumor predisposition; Hereditary Cancer Syndrome; Hereditary neoplastic syndrome. Identifiers: Orphanet 140162, MedGen C0027672, MeSH D009386, MONDO:0015356.

Submission:

Ambry Genetics
Classification: Uncertain significance for Hereditary cancer-predisposing syndrome. Last evaluated: 2025-10-17. Review status: criteria provided, single submitter. Criteria: Ambry Variant Classification Scheme 2023. Collection method: clinical testing. Allele origin: germline.
Comment: The p.K836N variant (also known as c.2508A>T), located in coding exon 10 of the MET gene, results from an A to T substitution at nucleotide position 2508. The lysine at codon 836 is replaced by asparagine, an amino acid with similar properties. This amino acid position is conserved. In addition, this alteration is predicted to be tolerated by in silico analysis. Based on the available evidence, the clinical significance of this variant remains unclear.

NM_000245.4(MET):c.2454A>T (p.Lys818Asn)

Gene: MET (MET proto-oncogene, receptor tyrosine kinase; plus strand). Cytogenetic location: 7q31.2.
Variant type: single nucleotide variant.
Coding change: c.2454A>T on transcript NM_000245.4 (MANE Select); coding-DNA position 2454, A replaced by T.
Protein change: p.Lys818Asn; replaces lysine 818 with asparagine.
Molecular consequence: missense variant.
Genome position (GRCh38, 1-based): chr7:116,763,139, A>T. VCF-style: chr7-116763139-A-T. GRCh37 (hg19) VCF-style: chr7-116403193-A-T.
Other names: c.2508A>T, p.Lys836Asn (NM_001127500.3); c.2454A>T, p.Lys818Asn (NM_001324401.3); c.1164A>T, p.Lys388Asn (NM_001324402.2); short protein forms K388N, K836N, K818N.
Identifiers: ClinVar variation 4647774 (VCV004647774.1).